The following is an entry in ClinVar:

NM_001040616.3(LINS1):c.1487T>C (p.Leu496Ser)

Gene: LINS1 (lines homolog 1; minus strand). Cytogenetic location: 15q26.3.
Variant type: single nucleotide variant.
Coding change: c.1487T>C on transcript NM_001040616.3 (MANE Select); coding-DNA position 1487, T replaced by C.
Protein change: p.Leu496Ser; replaces leucine 496 with serine.
Molecular consequence: missense variant. On other transcripts: non-coding transcript variant (3).
Genome position (GRCh38, 1-based): chr15:100,570,025, A>G on the plus strand (T>C on the coding strand, the complement: LINS1 is on the minus strand). VCF-style: chr15-100570025-A-G. GRCh37 (hg19) VCF-style: chr15-101110230-A-G.
Other names: c.740T>C, p.Leu247Ser (NM_001352507.2); c.1334T>C, p.Leu445Ser (NM_001352508.2); short protein forms L247S, L496S, L445S.
Identifiers: ClinVar variation 1031760 (VCV001031760.1), dbSNP rs576126444, ClinGen allele CA7759390.

ClinVar aggregate classification (germline): Uncertain significance (1 of 4 stars; one submission).

Conditions:
Intellectual developmental disorder, autosomal recessive 27. Also called: Mental retardation, autosomal recessive 27; Intellectual disability, autosomal recessive 27. Identifiers: Orphanet 88616, MedGen C3280538, MONDO:0013702, OMIM 614340.

Allele frequency attached by ClinVar (database versions not stated): ExAC 0.00003; 1000 Genomes Project 0.00020; gnomAD exomes 0.00001; 1000 Genomes Project 30x 0.00016; gnomAD 0.00001.
gnomAD v4.1: 20 of 1,552,578 alleles (0.0013%); highest among the groups gnomAD compares: South Asian, 0.018%; no homozygotes.

Submission:

Baylor Genetics
Classification: Uncertain significance for Intellectual developmental disorder, autosomal recessive 27. Last evaluated: 2018-02-13. Review status: criteria provided, single submitter. Criteria: ACMG Guidelines, 2015. Collection method: clinical testing. Allele origin: maternal. Affected: yes.
Comment: This variant was determined to be of uncertain significance according to ACMG Guidelines, 2015 [PMID:25741868].